The following is an entry in ClinVar:

NM_005609.4(PYGM):c.1845_1846dup (p.Met616fs)

Gene: PYGM (glycogen phosphorylase, muscle associated; minus strand). Cytogenetic location: 11q13.1.
Variant type: Microsatellite.
Coding change: c.1845_1846dup on transcript NM_005609.4 (MANE Select); coding-DNA positions 1845 to 1846, 2 bases duplicated (CA; older notation c.1845_1846dupCA).
Protein change: p.Met616fs; shifts the reading frame from methionine 616.
Molecular consequence: frameshift variant.
Genome position (GRCh38, 1-based): chr11:64,751,448-64,751,449, TG duplicated on the plus strand (CA on the coding strand, the reverse complement: PYGM is on the minus strand); duplicating any 2 consecutive bases within chr11:64,751,448-64,751,451 gives the same sequence; the c. name uses the placement nearest the transcript's 3' end. VCF-style (leftmost placement, unchanged base first): chr11-64751447-A-ATG. GRCh37 (hg19) VCF-style: chr11-64518919-A-ATG.
Other names: c.1581_1582dup, p.Met528fs (NM_001164716.1); short protein forms M528fs, M616fs.
Identifiers: ClinVar variation 5013406 (VCV005013406.1).

ClinVar aggregate classification (germline): Pathogenic (1 of 4 stars; one submission).

Conditions:
Glycogen storage disease, type V (GSD5). Also called: MCARDLE DISEASE; MUSCLE GLYCOGEN PHOSPHORYLASE DEFICIENCY; MYOPHOSPHORYLASE DEFICIENCY; PYGM DEFICIENCY; McArdle type glycogen storage disease. Identifiers: Orphanet 368, MedGen C0017924, MONDO:0009293, OMIM 232600.

Submission:

Myriad Genetics, Inc.
Classification: Pathogenic for Glycogen storage disease, type V. Last evaluated: 2024-08-02. Review status: criteria provided, single submitter. Criteria: Myriad Autosomal Dominant, Autosomal Recessive and X-Linked Classification Criteria (2023). Collection method: clinical testing. Allele origin: unknown.
Comment: NM_005609.2(PYGM):c.1845_1846dupCA(M616Tfs*5) is expected to be pathogenic in the context of glycogen storage disease, PYGM-related. This variant is predicted to lead to an abnormal or absent protein product due to the creation of a premature termination codon in PYGM, a gene where loss-of-function variants are known to be pathogenic. Please note: this variant was assessed in the context of healthy population screening.